The following is an entry in ClinVar:

ClinVar aggregate classification (germline): Uncertain significance (1 of 4 stars; one submission).

Submission:

Women's Health and Genetics/Laboratory Corporation of America, LabCorp
Classification: Uncertain significance. Last evaluated: 2022-12-08. Review status: criteria provided, single submitter. Criteria: LabCorp Variant Classification Summary - May 2015. Collection method: clinical testing. Allele origin: germline.
Comment: Variant summary: ASH1L c.8460+11T>C alters a non-conserved nucleotide located close to a canonical splice site and therefore could affect mRNA splicing, leading to a significantly altered protein sequence. 4/4 computational tools predict no significant impact on normal splicing. However, these predictions have yet to be confirmed by functional studies. The variant was absent in 251066 control chromosomes. The available data on variant occurrences in the general population are insufficient to allow any conclusion about variant significance. To our knowledge, no occurrence of c.8460+11T>C in individuals affected with Intellectual Disability, Autosomal Dominant 52 and no experimental evidence demonstrating its impact on protein function have been reported. No clinical diagnostic laboratories have submitted clinical-significance assessments for this variant to ClinVar after 2014. Based on the evidence outlined above, the variant was classified as uncertain significance.

NM_018489.3(ASH1L):c.8460+11T>C

Gene: ASH1L (ASH1 like histone lysine methyltransferase; minus strand). Cytogenetic location: 1q22.
Variant type: single nucleotide variant.
Coding change: c.8460+11T>C on transcript NM_018489.3 (MANE Select); 11 bases into the intron after coding-DNA position 8460, T replaced by C.
Molecular consequence: intron variant.
Genome position (GRCh38, 1-based): chr1:155,341,925, A>G on the plus strand (T>C on the coding strand, the complement: ASH1L is on the minus strand). VCF-style: chr1-155341925-A-G. GRCh37 (hg19) VCF-style: chr1-155311716-A-G.
Other names: c.8475+11T>C (NM_001366177.2).
Identifiers: ClinVar variation 1878257 (VCV001878257.1), dbSNP rs2525631205, ClinGen allele CA2580061124.